The following is an entry in ClinVar:

NM_198334.3(GANAB):c.2449C>T (p.Arg817Trp)

Gene: GANAB (glucosidase II alpha subunit; minus strand). Cytogenetic location: 11q12.3.
Variant type: single nucleotide variant.
Coding change: c.2449C>T on transcript NM_198334.3 (MANE Select); coding-DNA position 2449, C replaced by T.
Protein change: p.Arg817Trp; replaces arginine 817 with tryptophan.
Molecular consequence: missense variant.
Genome position (GRCh38, 1-based): chr11:62,626,633, G>A on the plus strand (C>T on the coding strand, the complement: GANAB is on the minus strand). VCF-style: chr11-62626633-G-A. GRCh37 (hg19) VCF-style: chr11-62394105-G-A.
Other names: c.2173C>T, p.Arg725Trp (NM_001278192.2); c.2107C>T, p.Arg703Trp (NM_001278193.2); c.2158C>T, p.Arg720Trp (NM_001278194.2, NM_001329222.2, NM_001329223.2); c.1726C>T, p.Arg576Trp (NM_001329224.2, NM_001329225.2); c.2515C>T, p.Arg839Trp (NM_198335.4); short protein forms R839W, R703W, R725W, R817W, R576W, R720W.
Identifiers: ClinVar variation 253132 (VCV000253132.6), dbSNP rs879255643, ClinGen allele CA10586211.

ClinVar aggregate classification (germline): Likely pathogenic. Review status: criteria provided, multiple submitters, no conflicts (2 of 4 stars). 4 submissions from 4 submitters: Likely pathogenic (3). 1 of the submissions does not count toward it. Last evaluated 2026-05-14.

Conditions:
POLYCYSTIC KIDNEY DISEASE 3 WITH POLYCYSTIC LIVER DISEASE.
Polycystic kidney disease 3 with or without polycystic liver disease. Also called: Polycystic kidney disease 3; Polycystic Kidney and/or Polycystic Liver Disease 3; POLYCYSTIC KIDNEY DISEASE, ADULT, TYPE III. Identifiers: MedGen C3887964, MONDO:0010916, OMIM 600666.

Allele frequency attached by ClinVar (database versions not stated): gnomAD exomes below 0.00001.
gnomAD v4.1: 3 of 1,612,138 alleles (0.00019%); highest among the groups gnomAD compares: Non-Finnish European, 0.00025%; no homozygotes.

Submissions (4):

Victorian Clinical Genetics Services, Murdoch Childrens Research Institute
Classification: Likely pathogenic for Polycystic kidney disease 3 with or without polycystic liver disease. Last evaluated: 2026-05-14. Review status: criteria provided, single submitter. Criteria: ACMG Guidelines, 2015. Collection method: clinical testing. Allele origin: germline. Affected: yes.
Comment: This variant is classified as Likely pathogenic. Evidence in support of pathogenic classification: Variant is present in gnomAD <0.001 for a dominant condition (v4: 3 heterozygote(s), 0 homozygote(s)); This variant has moderate previous evidence of pathogenicity in unrelated individuals. This variant has been classified as likely pathogenic by clinical laboratories in ClinVar. This variant has also been reported in the literature in two unrelated families. One family was reported with severe polycystic liver disease and the other with mild polycystic kidney disease, however variable phenotypes were reported between relatives (PMIDs: 27259053, 34357571); This variant has moderate evidence for segregation with disease. This variant has been shown to segregate with disease in multiple affected individuals from two unrelated families (PMIDs: 27259053, 34357571); Missense variant predicted to be damaging by in silico tool(s) or highly conserved with a major amino acid change. Additional information: Variant is predicted to result in a missense amino acid change from Arg to Trp; This variant is heterozygous; This gene is associated with autosomal dominant disease; Alternative amino acid change(s) at the same position are present in gnomAD (highest allele count: v4: 2 heterozygote(s), 0 homozygote(s)); Functional evidence for this variant is inconclusive. PKD1 associated protein PC1 is considered the master regulator of intersecting pathways of renal and liver cysto-genesis. In GANAB-null cells, PC1 cell surface expression was rescued by wild-type but not mutant GANAB. In addition, reduced mature PC1 was seen in GANAB +/- cells, suggesting GANAB is required for maturation and surface and ciliary localisation of PC1. However, fully understanding how GANAB dosage influences PC1 maturation and localisation requires further studies (PMID: 27259053). - No comparable missense variants have previous evidence for pathogenicity; Loss of function is a known mechanism of disease in this gene and is associated with polycystic kidney disease 3 (MIM#600666); Variants in this gene are known to have variable expressivity. Disease onset is usually in adulthood and renal disease is typically mild (OMIM); however, earlier-onset and more severe disease has been reported (PMIDs: 30792735, 27259053, 40134995); Inheritance information for this variant is not currently available in this individual.

Fulgent Genetics
Classification: Likely pathogenic for Polycystic kidney disease 3 with or without polycystic liver disease. Last evaluated: 2024-04-04. Review status: criteria provided, single submitter. Criteria: ACMG Guidelines, 2015. Collection method: clinical testing. Allele origin: germline.

GeneDx
Classification: Likely pathogenic. Last evaluated: 2024-01-04. Review status: criteria provided, single submitter. Criteria: GeneDx Variant Classification Process June 2021. Collection method: clinical testing. Allele origin: germline. Affected: yes.
Comment: Published functional studies suggest a damaging effect on cell surface localization of polycystin-1 (PMID: 27259053); Not observed at significant frequency in large population cohorts (gnomAD); In silico analysis supports that this missense variant has a deleterious effect on protein structure/function; This variant is associated with the following publications: (PMID: 34310849, 27259053, 30484248, 37703354, 32378324, 34357571, 30652979)

OMIM
Classification: Pathogenic for POLYCYSTIC KIDNEY DISEASE 3 WITH POLYCYSTIC LIVER DISEASE. Last evaluated: 2018-02-22. Review status: no assertion criteria provided. Collection method: literature only. Allele origin: germline. Not counted in ClinVar's aggregate classification.

Literature cited by the submitters: PubMed 30792735 (cited by Victorian Clinical Genetics Services, Murdoch Childrens Research Institute); PubMed 34357571 (cited by Victorian Clinical Genetics Services, Murdoch Childrens Research Institute); PubMed 40134995 (cited by Victorian Clinical Genetics Services, Murdoch Childrens Research Institute); PubMed 27259053 (cited by Victorian Clinical Genetics Services, Murdoch Childrens Research Institute and OMIM).